The following is an entry in ClinVar:

ClinVar aggregate classification (germline): Pathogenic (1 of 4 stars; one submission).

Conditions:
Recessive dystrophic epidermolysis bullosa (RDEB). Also called: DYSTROPHIC EPIDERMOLYSIS BULLOSA, AUTOSOMAL RECESSIVE; EPIDERMOLYSIS BULLOSA DYSTROPHICA, HALLOPEAU-SIEMENS TYPE; EPIDERMOLYSIS BULLOSA DYSTROPHICA, GENERALIZED SEVERE, AUTOSOMAL RECESSIVE; Hallopeau-Siemens Disease; Epidermolysis Bullosa Distrophica Autosomal Recessive (RDEB); epidermolysis bullosa dystrophica, autosomal recessive. Identifiers: Orphanet 79408, Orphanet 79409, MedGen C0079474, MONDO:0009179, OMIM 226600.

Allele frequency attached by ClinVar (database versions not stated): gnomAD exomes below 0.00001.
gnomAD v4.1: 2 of 1,614,148 alleles (0.00012%); highest among the groups gnomAD compares: Non-Finnish European, 0.00017%; no homozygotes.

Submission:

Laboratory of Medical Genetics, National & Kapodistrian University of Athens
Classification: Pathogenic for Recessive dystrophic epidermolysis bullosa. Last evaluated: 2021-08-10. Review status: criteria provided, single submitter. Criteria: ACMG Guidelines, 2015. Collection method: clinical testing. Allele origin: unknown. Affected: yes.
Comment: PM1, PM2, PP2, PP3, PP5

NM_000094.4(COL7A1):c.4198G>A (p.Gly1400Ser)

Gene: COL7A1 (collagen type VII alpha 1 chain; minus strand). Cytogenetic location: 3p21.31.
Variant type: single nucleotide variant.
Coding change: c.4198G>A on transcript NM_000094.4 (MANE Select); coding-DNA position 4198, G replaced by A.
Protein change: p.Gly1400Ser; replaces glycine 1400 with serine.
Molecular consequence: missense variant.
Genome position (GRCh38, 1-based): chr3:48,584,061, C>T on the plus strand (G>A on the coding strand, the complement: COL7A1 is on the minus strand). VCF-style: chr3-48584061-C-T. GRCh37 (hg19) VCF-style: chr3-48621494-C-T.
Other names: short protein forms G1400S.
Identifiers: ClinVar variation 1299553 (VCV001299553.1), dbSNP rs2107731142, ClinGen allele CA352694783.